The following is an entry in ClinVar:

NM_018718.3(CEP41):c.757+2T>A

Gene: CEP41 (centrosomal protein 41; minus strand). Cytogenetic location: 7q32.2.
Variant type: single nucleotide variant.
Coding change: c.757+2T>A on transcript NM_018718.3 (MANE Select); the canonical splice donor site of the intron after coding-DNA position 757, T replaced by A.
Molecular consequence: splice donor variant.
Genome position (GRCh38, 1-based): chr7:130,400,705, A>T on the plus strand (T>A on the coding strand, the complement: CEP41 is on the minus strand). VCF-style: chr7-130400705-A-T. GRCh37 (hg19) VCF-style: chr7-130040546-A-T.
Other names: c.709+2T>A (NM_001257159.2); c.757+2T>A (NM_001257158.2).
Identifiers: ClinVar variation 1958588 (VCV001958588.5), dbSNP rs2536052433, ClinGen allele CA369287641.

ClinVar aggregate classification (germline): Likely pathogenic (1 of 4 stars; one submission).

Conditions:
Joubert syndrome 15 (JBTS15). Identifiers: Orphanet 475, MedGen C3280897, MONDO:0013763, OMIM 614464.

Submission:

Labcorp Genetics (formerly Invitae), Labcorp
Classification: Likely pathogenic for Joubert syndrome 15. Last evaluated: 2024-04-10. Review status: criteria provided, single submitter. Criteria: Invitae Variant Classification Sherloc (09022015). Collection method: clinical testing. Allele origin: germline.
Comment: This sequence change affects a donor splice site in intron 9 of the CEP41 gene. It is expected to disrupt RNA splicing. Variants that disrupt the donor or acceptor splice site typically lead to a loss of protein function (PMID: 16199547), and loss-of-function variants in CEP41 are known to be pathogenic (PMID: 22246503). This variant is not present in population databases (gnomAD no frequency). This variant has not been reported in the literature in individuals affected with CEP41-related conditions. ClinVar contains an entry for this variant (Variation ID: 1958588). Algorithms developed to predict the effect of sequence changes on RNA splicing suggest that this variant may disrupt the consensus splice site. In summary, the currently available evidence indicates that the variant is pathogenic, but additional data are needed to prove that conclusively. Therefore, this variant has been classified as Likely Pathogenic.

Literature cited by the submitters: PubMed 16199547; PubMed 22246503.